The following is an entry in ClinVar:

ClinVar aggregate classification (germline): Likely benign (0 of 4 stars; one submission).

Conditions:
FOLR3-related disorder. Also called: FOLR3-related condition.

Allele frequency attached by ClinVar (database versions not stated): gnomAD exomes 0.00011; ExAC 0.00014; gnomAD 0.00014; ESP Exome Variant Server 0.00015.
gnomAD v4.1: 187 of 1,613,902 alleles (0.012%); highest among the groups gnomAD compares: Non-Finnish European, 0.0019%; no homozygotes.

Submission:

PreventionGenetics, part of Exact Sciences
Classification: Likely benign for FOLR3-related condition. Last evaluated: 2020-07-14. Review status: no assertion criteria provided. Collection method: clinical testing. Allele origin: germline.
Comment: This variant is classified as likely benign based on ACMG/AMP sequence variant interpretation guidelines (Richards et al. 2015 PMID: 25741868, with internal and published modifications).

NM_000804.4(FOLR3):c.259G>T (p.Asp87Tyr)

Gene: FOLR3 (folate receptor gamma; plus strand). Cytogenetic location: 11q13.4.
Variant type: single nucleotide variant.
Coding change: c.259G>T on transcript NM_000804.4 (MANE Select); coding-DNA position 259, G replaced by T.
Protein change: p.Asp87Tyr; replaces aspartic acid 87 with tyrosine.
Molecular consequence: missense variant. On other transcripts: synonymous variant (1), non-coding transcript variant (1).
Genome position (GRCh38, 1-based): chr11:72,139,051, G>T. VCF-style: chr11-72139051-G-T. GRCh37 (hg19) VCF-style: chr11-71850097-G-T.
Other names: c.-15G>T (NM_001318045.2); c.387G>T, p.Gly129= (NM_001412270.1); short protein forms D87Y.
Identifiers: ClinVar variation 3036822 (VCV003036822.2), dbSNP rs200810395, ClinGen allele CA6168900.
Genomic context (GRCh38, chr11:72,139,051, plus strand): 5'-ACGGCCAGCACCAGCCAGGAGCTGCACAAGGACACCTCCCGCCTGTACAACTTTAACTGG[G>T]ATCACTGTGGTAAGATGGAACCCACCTGCAAGCGCCACTTTATCCAGGACAGCTGTCTCT-3'
Protein context (NP_000795.2, residues 77-97): DTSRLYNFNW[Asp87Tyr]HCGKMEPTCK